The following is an entry in ClinVar:

ClinVar aggregate classification (germline): Benign/Likely benign. Review status: criteria provided, multiple submitters, no conflicts (2 of 4 stars). 2 submissions from 2 submitters: Benign (1); Likely benign (1). Last evaluated 2025-10-01.

Allele frequency attached by ClinVar (database versions not stated): ESP Exome Variant Server 0.00008; gnomAD exomes 0.00010; gnomAD 0.00020; TOPMed 0.00021; ExAC 0.00041; 1000 Genomes Project 30x 0.00062; 1000 Genomes Project 0.00080.

Submissions (2):

CeGaT Center for Human Genetics Tuebingen
Classification: Likely benign. Last evaluated: 2025-10-01. Review status: criteria provided, single submitter. Criteria: CeGaT Center For Human Genetics Tuebingen Variant Classification Criteria Version 2. Collection method: clinical testing. Allele origin: germline. Affected: yes. Observed: 1 variant allele.
Comment: BRD4: BP4

Labcorp Genetics (formerly Invitae), Labcorp
Classification: Benign. Last evaluated: 2025-10-01. Review status: criteria provided, single submitter. Criteria: Invitae Variant Classification Sherloc (09022015). Collection method: clinical testing. Allele origin: germline.

NM_001379291.1(BRD4):c.682G>A (p.Val228Ile)

Gene: BRD4 (bromodomain containing 4; minus strand). Cytogenetic location: 19p13.12.
Variant type: single nucleotide variant.
Coding change: c.682G>A on transcript NM_001379291.1 (MANE Select); coding-DNA position 682, G replaced by A.
Protein change: p.Val228Ile; replaces valine 228 with isoleucine.
Molecular consequence: missense variant.
Genome position (GRCh38, 1-based): chr19:15,265,521, C>T on the plus strand (G>A on the coding strand, the complement: BRD4 is on the minus strand). VCF-style: chr19-15265521-C-T. GRCh37 (hg19) VCF-style: chr19-15376332-C-T.
Other names: c.682G>A, p.Val228Ile (NM_001330384.2, NM_001379292.1, NM_014299.3 and 1 more transcripts); short protein forms V228I.
Identifiers: ClinVar variation 2722812 (VCV002722812.9), dbSNP rs200899247, ClinGen allele CA9265567.
Genomic context (GRCh38, chr19:15,265,521, plus strand): 5'-GCAGTGGCTGGGGAGGCACCACTGTCATGACAGGGGTCTGGACGATGAGGTCCGGGGTGA[C>T]GGCAGGGAAGGGGTGAGGCGTGGCCTGCACAGGAGGAGGATTCGGCTGAGGGGTCTGGGT-3'
Protein context (NP_001366220.1, residues 218-238): VQATPHPFPA[Val228Ile]TPDLIVQTPV